The following is an entry in ClinVar:

NM_020937.4(FANCM):c.4564G>T (p.Asp1522Tyr)

Gene: FANCM (FA complementation group M; plus strand). Cytogenetic location: 14q21.2.
Variant type: single nucleotide variant.
Coding change: c.4564G>T on transcript NM_020937.4 (MANE Select); coding-DNA position 4564, G replaced by T.
Protein change: p.Asp1522Tyr; replaces aspartic acid 1522 with tyrosine.
Molecular consequence: missense variant.
Genome position (GRCh38, 1-based): chr14:45,185,265, G>T. VCF-style: chr14-45185265-G-T. GRCh37 (hg19) VCF-style: chr14-45654468-G-T.
Other names: c.4486G>T, p.Asp1496Tyr (NM_001308133.2); short protein forms D1496Y, D1522Y.
Identifiers: ClinVar variation 4022675 (VCV004022675.1).
Genomic context (GRCh38, chr14:45,185,265, plus strand): 5'-TGTCTTACTTAGCATGTAGCTAGGAAGTTTTTAGATGATGAAGCAGAACTTTCTGAAGAA[G>T]ATGCAGAATATGTTTCATCAGATGAAAATGATGAGTCAGAAAATGAACAAGATTCCTCAT-3'
Protein context (NP_065988.1, residues 1512-1532): LDDEAELSEE[Asp1522Tyr]AEYVSSDEND

ClinVar aggregate classification (germline): Uncertain significance (1 of 4 stars; one submission).

Conditions:
Inborn genetic diseases. Identifiers: MedGen C0950123, MeSH D030342.

gnomAD v4.1: 1 of 1,603,920 alleles (0.000062%); highest among the groups gnomAD compares: Non-Finnish European, 0.000085%; no homozygotes.

Submission:

Ambry Genetics
Classification: Uncertain significance for Inborn genetic diseases. Last evaluated: 2025-04-11. Review status: criteria provided, single submitter. Criteria: Ambry Variant Classification Scheme 2023. Collection method: clinical testing. Allele origin: germline.
Comment: The p.D1522Y variant (also known as c.4564G>T), located in coding exon 18 of the FANCM gene, results from a G to T substitution at nucleotide position 4564. The aspartic acid at codon 1522 is replaced by tyrosine, an amino acid with highly dissimilar properties. This amino acid position is conserved. In addition, the in silico prediction for this alteration is inconclusive. Based on the available evidence, the clinical significance of this variant remains unclear.